The following is an entry in ClinVar:

ClinVar aggregate classification (germline): Likely pathogenic. Review status: criteria provided, single submitter (1 of 4 stars). 2 submissions from 2 submitters: Likely pathogenic (1). 1 of the submissions does not count toward it. Last evaluated 2024-04-02.

Conditions:
Fanconi anemia complementation group A (FANCA). Also called: Fanconi anemia, group A; FANCA-Related Fanconi Anemia. Identifiers: Orphanet 84, MedGen C3469521, MONDO:0009215, OMIM 227650.

Submissions (2):

Fulgent Genetics
Classification: Likely pathogenic for Fanconi anemia complementation group A. Last evaluated: 2024-04-02. Review status: criteria provided, single submitter. Criteria: ACMG Guidelines, 2015. Collection method: clinical testing. Allele origin: germline.

Leiden Open Variation Database
Classification: Uncertain significance for Fanconi anemia complementation group A. Last evaluated: 2020-02-28. Review status: no assertion criteria provided. Collection method: curation. Allele origin: germline. Affected: yes. Not counted in ClinVar's aggregate classification.
Comment: Curator: Arleen D. Auerbach. Submitter to LOVD: Arleen D. Auerbach.

NM_000135.4(FANCA):c.710-2A>G

Gene: FANCA (FA complementation group A; minus strand). Cytogenetic location: 16q24.3.
Variant type: single nucleotide variant.
Coding change: c.710-2A>G on transcript NM_000135.4 (MANE Select); the canonical splice acceptor site of the intron before coding-DNA position 710, A replaced by G.
Molecular consequence: splice acceptor variant.
Genome position (GRCh38, 1-based): chr16:89,803,343, T>C on the plus strand (A>G on the coding strand, the complement: FANCA is on the minus strand). VCF-style: chr16-89803343-T-C. GRCh37 (hg19) VCF-style: chr16-89869751-T-C.
Other names: c.710-2A>G (NM_001286167.3, NM_001018112.3); c.614-2A>G (NM_001351830.2).
Identifiers: ClinVar variation 973991 (VCV000973991.2), dbSNP rs2040523467, ClinGen allele CA397476550.